The following is an entry in ClinVar:

ClinVar aggregate classification (germline): Uncertain significance. Review status: criteria provided, multiple submitters, no conflicts (2 of 4 stars). 2 submissions from 2 submitters: Uncertain significance (2). Last evaluated 2024-06-14.

Conditions:
Hereditary cancer-predisposing syndrome. Also called: Neoplastic Syndromes, Hereditary; Tumor predisposition; Hereditary Cancer Syndrome; Hereditary neoplastic syndrome. Identifiers: Orphanet 140162, MedGen C0027672, MeSH D009386, MONDO:0015356.
Gastrointestinal stromal tumor. Also called: Gastrointestinal stromal tumor, somatic; Gastrointestinal stroma tumor. Identifiers: Orphanet 44890, MedGen C0238198, MeSH D046152, MONDO:0011719, OMIM 606764, HP:0100723.

Submissions (2):

Labcorp Genetics (formerly Invitae), Labcorp
Classification: Uncertain significance for Gastrointestinal stromal tumor. Last evaluated: 2024-06-14. Review status: criteria provided, single submitter. Criteria: Invitae Variant Classification Sherloc (09022015). Collection method: clinical testing. Allele origin: germline.
Comment: This sequence change replaces arginine, which is basic and polar, with cysteine, which is neutral and slightly polar, at codon 271 of the KIT protein (p.Arg271Cys). This variant is not present in population databases (gnomAD no frequency). This variant has not been reported in the literature in individuals affected with KIT-related conditions. ClinVar contains an entry for this variant (Variation ID: 848161). An algorithm developed to predict the effect of missense changes on protein structure and function (PolyPhen-2) suggests that this variant is likely to be disruptive. In summary, the available evidence is currently insufficient to determine the role of this variant in disease. Therefore, it has been classified as a Variant of Uncertain Significance.

Ambry Genetics
Classification: Uncertain significance for Hereditary cancer-predisposing syndrome. Last evaluated: 2023-12-01. Review status: criteria provided, single submitter. Criteria: Ambry Variant Classification Scheme 2023. Collection method: clinical testing. Allele origin: germline.
Comment: The p.R271C variant (also known as c.811C>T), located in coding exon 5 of the KIT gene, results from a C to T substitution at nucleotide position 811. The arginine at codon 271 is replaced by cysteine, an amino acid with highly dissimilar properties. This amino acid position is conserved. In addition, the in silico prediction for this alteration is inconclusive. Since supporting evidence is limited at this time, the clinical significance of this alteration remains unclear.

NM_000222.3(KIT):c.811C>T (p.Arg271Cys)

Gene: KIT (KIT proto-oncogene, receptor tyrosine kinase; plus strand). Cytogenetic location: 4q12.
Variant type: single nucleotide variant.
Coding change: c.811C>T on transcript NM_000222.3 (MANE Select); coding-DNA position 811, C replaced by T.
Protein change: p.Arg271Cys; replaces arginine 271 with cysteine.
Molecular consequence: missense variant.
Genome position (GRCh38, 1-based): chr4:54,703,778, C>T. VCF-style: chr4-54703778-C-T. GRCh37 (hg19) VCF-style: chr4-55569944-C-T.
Other names: c.811C>T, p.Arg271Cys (NM_001093772.2, NM_001385285.1, NM_001385286.1); c.814C>T, p.Arg272Cys (NM_001385284.1, NM_001385288.1, NM_001385290.1 and 1 more transcripts); short protein forms R271C, R272C.
Identifiers: ClinVar variation 848161 (VCV000848161.12), dbSNP rs1720604274, ClinGen allele CA356899599.